The following is an entry in ClinVar:

ClinVar aggregate classification (germline): Uncertain significance (1 of 4 stars; one submission).

Conditions:
Macrothrombocytopenia and granulocyte inclusions with or without nephritis or sensorineural hearing loss (MATINS). Also called: BLEEDING DISORDER, PLATELET-TYPE, 6; MACROTHROMBOCYTOPENIA WITH LEUKOCYTE INCLUSIONS; SEBASTIAN PLATELET SYNDROME; MACROTHROMBOCYTOPENIA WITH DISPERSED LEUKOCYTIC INCLUSIONS; MACROTHROMBOCYTOPENIA, NEPHRITIS, AND DEAFNESS; MACROTHROMBOCYTOPENIA, NEPHRITIS, DEAFNESS, AND LEUKOCYTE INCLUSIONS. Identifiers: Orphanet 182050, MedGen C5200934, MONDO:0015912, OMIM 155100.

Submission:

3billion
Classification: Uncertain significance for Macrothrombocytopenia and granulocyte inclusions with or without nephritis or sensorineural hearing loss. Last evaluated: 2023-02-23. Review status: criteria provided, single submitter. Criteria: ACMG Guidelines, 2015. Collection method: clinical testing. Allele origin: unknown. Affected: yes.
Comment: The variant is not observed in the gnomAD v2.1.1 dataset. Missense changes are a common disease-causing mechanism. In silico tool predictions suggest damaging effect of the variant on gene or gene product (REVEL: 0.87; 3Cnet: 0.78). Same nucleotide change resulting in same amino acid change has been previously reported to be associated with MYH9-related disorder (PMID: 25077172). However, the evidence of pathogenicity is insufficient at this time. Therefore, this variant is classified as VUS according to the recommendation of ACMG/AMP guideline.

Literature cited by the submitters: PubMed 25077172.

NM_002473.6(MYH9):c.2548A>G (p.Lys850Glu)

Gene: MYH9 (myosin heavy chain 9; minus strand). Cytogenetic location: 22q12.3.
Variant type: single nucleotide variant.
Coding change: c.2548A>G on transcript NM_002473.6 (MANE Select); coding-DNA position 2548, A replaced by G.
Protein change: p.Lys850Glu; replaces lysine 850 with glutamic acid.
Molecular consequence: missense variant.
Genome position (GRCh38, 1-based): chr22:36,301,617, T>C on the plus strand (A>G on the coding strand, the complement: MYH9 is on the minus strand). VCF-style: chr22-36301617-T-C. GRCh37 (hg19) VCF-style: chr22-36697663-T-C.
Other names: short protein forms K850E.
Identifiers: ClinVar variation 2444181 (VCV002444181.1), dbSNP rs2016879200, ClinGen allele CA411394634.
Genomic context (GRCh38, chr22:36,301,617, plus strand): 5'-CCGTGAGCCTGTTCTCCGCAGCCAGCTGCTTCTCTCTGACCTTCACCAGCTCCTCCTCCT[T>C]GGCCATCATCTCCTCCTCCTGCCGGCTCACCTGCAGCAGCGGCTTGACCTGGGAGAGGAG-3'
Protein context (NP_002464.1, residues 840-860): VSRQEEEMMA[Lys850Glu]EEELVKVREK